The following is an entry in ClinVar:

NM_000213.5(ITGB4):c.3572del (p.Asp1191fs)

Gene: ITGB4 (integrin subunit beta 4; plus strand). Cytogenetic location: 17q25.1.
Variant type: Deletion.
Coding change: c.3572del on transcript NM_000213.5 (MANE Select); coding-DNA position 3572, one base deleted (A; older notation c.3572delA).
Protein change: p.Asp1191fs; shifts the reading frame from aspartic acid 1191.
Molecular consequence: frameshift variant.
Genome position (GRCh38, 1-based): chr17:75,750,777, A deleted. VCF-style (leftmost placement, unchanged base first): chr17-75750776-GA-G. GRCh37 (hg19) VCF-style: chr17-73746857-GA-G.
Other names: c.3572delA, p.Asp1191Alafs (NM_001005619.2); c.3572del, p.Asp1191fs (NM_001005731.3, NM_001321123.2); short protein forms D1191fs.
Identifiers: ClinVar variation 2865375 (VCV002865375.3), dbSNP rs2545839250, ClinGen allele CA2739265738.

ClinVar aggregate classification (germline): Pathogenic (1 of 4 stars; one submission).

Submission:

Labcorp Genetics (formerly Invitae), Labcorp
Classification: Pathogenic. Last evaluated: 2023-05-18. Review status: criteria provided, single submitter. Criteria: Invitae Variant Classification Sherloc (09022015). Collection method: clinical testing. Allele origin: germline.
Comment: This variant has not been reported in the literature in individuals affected with ITGB4-related conditions. This sequence change creates a premature translational stop signal (p.Asp1191Alafs*4) in the ITGB4 gene. It is expected to result in an absent or disrupted protein product. Loss-of-function variants in ITGB4 are known to be pathogenic (PMID: 11328943, 16473856). This variant is not present in population databases (gnomAD no frequency). For these reasons, this variant has been classified as Pathogenic.

Literature cited by the submitters: PubMed 11328943; PubMed 16473856.